The following is an entry in ClinVar:

NM_000444.6(PHEX):c.1936G>C (p.Asp646His)

Genes: PHEX (phosphate regulating endopeptidase X-linked; plus strand), PTCHD1-AS (PTCHD1 and PHEX antisense RNA; minus strand). Cytogenetic location: Xp22.11.
Variant type: single nucleotide variant.
Coding change: c.1936G>C on transcript NM_000444.6 (MANE Select); coding-DNA position 1936, G replaced by C.
Protein change: p.Asp646His; replaces aspartic acid 646 with histidine.
Molecular consequence: missense variant.
Genome position (GRCh38, 1-based): chrX:22,226,479, G>C. VCF-style: chrX-22226479-G-C. GRCh37 (hg19) VCF-style: chrX-22244596-G-C.
Other names: c.1936G>C, p.Asp646His (NM_001282754.2); short protein forms D646H.
Identifiers: ClinVar variation 438510 (VCV000438510.13), dbSNP rs1556148532, ClinGen allele CA412574202.
Genomic context (GRCh38, chrX:22,226,479, plus strand): 5'-TTTTTCCTTTTTTCTTTCTGTTAGGTCAAGGGGAAGAGGACCCTGGGAGAAAATATTGCT[G>C]ATAATGGAGGCCTGCGGGAAGCTTTTAGGGTATGCGCTGCTACATTTACCGTGGTTCTAA-3'
Protein context (NP_000435.3, residues 636-656): GKRTLGENIA[Asp646His]NGGLREAFRA

ClinVar aggregate classification (germline): Pathogenic/Likely pathogenic. Review status: criteria provided, multiple submitters, no conflicts (2 of 4 stars). 3 submissions from 3 submitters: Pathogenic (1); Likely pathogenic (1). 1 of the submissions does not count toward it. Last evaluated 2020-08-04.

Conditions:
Childhood hypophosphatasia. Identifiers: Orphanet 247667, Orphanet 436, MedGen C0220743, MONDO:1010168, OMIM 241510, MONDO:0009428.
Familial X-linked hypophosphatemic vitamin D refractory rickets (XLHRD). Also called: Hypophosphatemia, vitamin D-resistant rickets; Vitamin D-resistant rickets, X-linked; X-Linked Hypophosphatemia; HYPOPHOSPHATEMIC VITAMIN D-RESISTANT RICKETS; Hypophosphatemic Rickets, X-Linked Dominant. Identifiers: Orphanet 89936, MedGen C0733682, MONDO:0010619, OMIM 307800.

Submissions (3):

Labcorp Genetics (formerly Invitae), Labcorp
Classification: Likely pathogenic. Last evaluated: 2020-08-04. Review status: criteria provided, single submitter. Criteria: Invitae Variant Classification Sherloc (09022015). Collection method: clinical testing. Allele origin: germline.
Comment: This variant disrupts the p.Asp646 amino acid residue in PHEX. Other variant(s) that disrupt this residue have been observed in individuals with PHEX-related conditions (PMID: 21050253, Invitae), which suggests that this may be a clinically significant amino acid residue. This sequence change replaces aspartic acid with histidine at codon 646 of the PHEX protein (p.Asp646His). The aspartic acid residue is highly conserved and there is a moderate physicochemical difference between aspartic acid and histidine. This variant is not present in population databases (ExAC no frequency). This variant has been observed in an individuals with hypophosphatemia (Invitae). ClinVar contains an entry for this variant (Variation ID: 438510). Algorithms developed to predict the effect of missense changes on protein structure and function (SIFT, PolyPhen-2, Align-GVGD) all suggest that this variant is likely to be disruptive, but these predictions have not been confirmed by published functional studies and their clinical significance is uncertain. In summary, the currently available evidence indicates that the variant is pathogenic, but additional data are needed to prove that conclusively. Therefore, this variant has been classified as Likely Pathogenic.

Institute of Human Genetics Munich, TUM University Hospital
Classification: Pathogenic for Familial X-linked hypophosphatemic vitamin D refractory rickets. Last evaluated: 2013-10-31. Review status: criteria provided, single submitter. Criteria: Classification criteria August 2017. Collection method: clinical testing. Allele origin: germline, maternal. Inheritance: X-linked inheritance. Affected: yes. Observed: 5 heterozygotes.

Department of Pediatric Endocrinology, Shriners Hospitals for Children - Mexico City
No classification provided. Condition: Childhood hypophosphatasia. Review status: no classification provided. Collection method: phenotyping only. Allele origin: germline. Inheritance: X-linked dominant inheritance. Affected: yes. Observed: 1 variant allele. Not counted in ClinVar's aggregate classification.

Literature cited by the submitters: PubMed 21050253 (cited by Labcorp Genetics (formerly Invitae), Labcorp).